The following is an entry in ClinVar:

NM_032531.4(KIRREL3):c.1104G>A (p.Trp368Ter)

Gene: KIRREL3 (kirre like nephrin family adhesion molecule 3; minus strand). Cytogenetic location: 11q24.2.
Variant type: single nucleotide variant.
Coding change: c.1104G>A on transcript NM_032531.4 (MANE Select); coding-DNA position 1104, G replaced by A.
Protein change: p.Trp368Ter; replaces tryptophan 368 with a stop codon.
Molecular consequence: nonsense.
Genome position (GRCh38, 1-based): chr11:126,446,780, C>T on the plus strand (G>A on the coding strand, the complement: KIRREL3 is on the minus strand). VCF-style: chr11-126446780-C-T. GRCh37 (hg19) VCF-style: chr11-126316675-C-T.
Other names: c.1104G>A, p.Trp368Ter (NM_001161707.2, NM_001301097.2, NM_001441251.1 and 5 more transcripts); c.1212G>A, p.Trp404Ter (NM_001441252.1); c.1143G>A, p.Trp381Ter (NM_001441254.1, NM_001441256.1, NM_001441263.1); c.1062G>A, p.Trp354Ter (NM_001441255.1, NM_001441259.1, NM_001441260.1); c.954G>A, p.Trp318Ter (NM_001441262.1); short protein forms W318*, W354*, W368*, W381*, W404*.
Identifiers: ClinVar variation 4891307 (VCV004891307.1).

ClinVar aggregate classification (germline): Uncertain significance (1 of 4 stars; one submission).

Submission:

GeneDx
Classification: Uncertain significance. Last evaluated: 2022-11-29. Review status: criteria provided, single submitter. Criteria: GeneDx Variant Classification Process June 2021. Collection method: clinical testing. Allele origin: germline.
Comment: Not observed at significant frequency in large population cohorts (gnomAD); Nonsense variant predicted to result in protein truncation or nonsense mediated decay in a gene or region of a gene for which loss of function is not a well-established mechanism of disease; Has not been previously published as pathogenic or benign to our knowledge; Variants in candidate genes are classified as variants of uncertain significance in accordance with ACMG guidelines (Richards et al., 2015)